The following is an entry in ClinVar:

ClinVar aggregate classification (germline): Likely benign. Review status: criteria provided, multiple submitters, no conflicts (2 of 4 stars). 3 submissions from 3 submitters: Likely benign (3). Last evaluated 2025-03-01.

Allele frequency attached by ClinVar (database versions not stated): gnomAD exomes below 0.00001; TOPMed below 0.00001.
gnomAD v4.1: 3 of 1,360,004 alleles (0.00022%); highest among the groups gnomAD compares: African/African-American, 0.0015%; no homozygotes.

Submissions (3):

CeGaT Center for Human Genetics Tuebingen
Classification: Likely benign. Last evaluated: 2025-03-01. Review status: criteria provided, single submitter. Criteria: CeGaT Center For Human Genetics Tuebingen Variant Classification Criteria Version 2. Collection method: clinical testing. Allele origin: germline. Affected: yes. Observed: 1 variant allele.
Comment: COL11A2: BP4, BP7

Labcorp Genetics (formerly Invitae), Labcorp
Classification: Likely benign. Last evaluated: 2025-01-14. Review status: criteria provided, single submitter. Criteria: Invitae Variant Classification Sherloc (09022015). Collection method: clinical testing. Allele origin: germline.

Blueprint Genetics
Classification: Likely benign. Last evaluated: 2023-05-11. Review status: criteria provided, single submitter. Criteria: ACMG Guidelines, 2015. Collection method: clinical testing. Allele origin: germline.

NM_080680.3(COL11A2):c.855G>A (p.Thr285=)

Gene: COL11A2 (collagen type XI alpha 2 chain; minus strand). Cytogenetic location: 6p21.32.
Variant type: single nucleotide variant.
Coding change: c.855G>A on transcript NM_080680.3 (MANE Select); coding-DNA position 855, G replaced by A.
Protein change: p.Thr285=; no amino-acid change (threonine 285 retained).
Molecular consequence: synonymous variant. On other transcripts: intron variant (2).
Genome position (GRCh38, 1-based): chr6:33,185,722, C>T on the plus strand (G>A on the coding strand, the complement: COL11A2 is on the minus strand). VCF-style: chr6-33185722-C-T. GRCh37 (hg19) VCF-style: chr6-33153499-C-T.
Other names: c.855G>A, p.Thr285= (NM_001424108.1); c.9G>A, p.Thr3= (NM_001424109.1, NM_001424110.1, NM_001424111.1); c.798+905G>A (NM_080679.3); c.799-668G>A (NM_080681.3).
Identifiers: ClinVar variation 2911332 (VCV002911332.11), dbSNP rs887857823, ClinGen allele CA566410030.